The following is an entry in ClinVar:

ClinVar aggregate classification (germline): Pathogenic. Review status: criteria provided, multiple submitters, no conflicts (2 of 4 stars). 6 submissions from 6 submitters: Pathogenic (4). 2 of the submissions do not count toward it. Last evaluated 2026-06-08.

Conditions:
Hereditary cancer-predisposing syndrome. Also called: Neoplastic Syndromes, Hereditary; Tumor predisposition; Hereditary neoplastic syndrome; Hereditary Cancer Syndrome. Identifiers: Orphanet 140162, MedGen C0027672, MeSH D009386, MONDO:0015356.
Bloom syndrome (BLM). Also called: Bloom-Torre-Machacek syndrome. Identifiers: Orphanet 125, MedGen C0005859, MONDO:0008876, OMIM 210900.

Submissions (6):

Myriad Genetics, Inc.
Classification: Pathogenic for Bloom syndrome. Last evaluated: 2026-06-08. Review status: criteria provided, single submitter. Criteria: Myriad Autosomal Dominant, Autosomal Recessive and X-Linked Classification Criteria (2023). Collection method: clinical testing. Allele origin: unknown.
Comment: NM_000057.3(BLM):c.581_582delTT(F194*) is a frameshift variant classified as pathogenic in the context of Bloom syndrome. F194* has been observed in cases with relevant disease (PMID: 35218564, 18471088). Relevant functional assessments of this variant are not available in the literature. F194* has not been observed in referenced population frequency databases. In summary, NM_000057.3(BLM):c.581_582delTT(F194*) is a frameshift variant in a gene where loss of function is a known mechanism of disease, is predicted to disrupt protein function, and has been observed more frequently in cases with the relevant disease than in healthy populations. Please note: this variant was assessed in the context of healthy population screening.

Labcorp Genetics (formerly Invitae), Labcorp
Classification: Pathogenic for Bloom syndrome. Last evaluated: 2024-05-15. Review status: criteria provided, single submitter. Criteria: Invitae Variant Classification Sherloc (09022015). Collection method: clinical testing. Allele origin: germline.
Comment: This sequence change creates a premature translational stop signal (p.Phe194*) in the BLM gene. It is expected to result in an absent or disrupted protein product. Loss-of-function variants in BLM are known to be pathogenic (PMID: 17407155). This variant is not present in population databases (gnomAD no frequency). This premature translational stop signal has been observed in individual(s) with Bloom syndrome (PMID: 18471088). ClinVar contains an entry for this variant (Variation ID: 189032). For these reasons, this variant has been classified as Pathogenic.

Baylor Genetics
Classification: Pathogenic for Bloom syndrome. Last evaluated: 2023-10-11. Review status: criteria provided, single submitter. Criteria: ACMG Guidelines, 2015. Collection method: clinical testing. Allele origin: unknown.

Ambry Genetics
Classification: Pathogenic for Hereditary cancer-predisposing syndrome. Last evaluated: 2022-02-16. Review status: criteria provided, single submitter. Criteria: Ambry Variant Classification Scheme 2023. Collection method: clinical testing. Allele origin: germline.
Comment: The c.581_582delTT pathogenic mutation, located in coding exon 2 of the BLM gene, results from a deletion of two nucleotides at nucleotide positions 581 to 582, causing a translational frameshift with a predicted alternate stop codon (p.F194*). This alteration has been identified in one patient with Bloom syndrome in a homozygous state (Amor-Gu&eacute;ret M et al. Genet Test, 2008 Jun;12:257-61). This variant is considered to be rare based on population cohorts in the Genome Aggregation Database (gnomAD). This alteration is expected to result in loss of function by premature protein truncation or nonsense-mediated mRNA decay. As such, this alteration is interpreted as a disease-causing mutation.

Natera, Inc.
Classification: Pathogenic for Bloom syndrome. Last evaluated: 2017-03-16. Review status: no assertion criteria provided. Collection method: clinical testing. Allele origin: germline. Not counted in ClinVar's aggregate classification.

Counsyl
Classification: Likely pathogenic for Bloom syndrome. Last evaluated: 2014-10-22. Review status: no assertion criteria provided. Collection method: literature only. Allele origin: unknown. Inheritance: Autosomal recessive inheritance. Not counted in ClinVar's aggregate classification.

Literature cited by the submitters: PubMed 18471088 (cited by 4 submitters); PubMed 35218564 (cited by Myriad Genetics, Inc.); PubMed 17407155 (cited by Labcorp Genetics (formerly Invitae), Labcorp).

NM_000057.4(BLM):c.581_582del (p.Phe193_Phe194insTer)

Gene: BLM (BLM RecQ like helicase; plus strand). Cytogenetic location: 15q26.1.
Variant type: Deletion.
Coding change: c.581_582del on transcript NM_000057.4 (MANE Select); coding-DNA positions 581 to 582, 2 bases deleted (TT; older notation c.581_582delTT).
Protein change: p.Phe193_Phe194insTer.
Molecular consequence: nonsense. On other transcripts: 5 prime UTR variant (1).
Genome position (GRCh38, 1-based): chr15:90,749,849-90,749,850, TT deleted; deleting any 2 consecutive bases within chr15:90,749,845-90,749,850 gives the same sequence; the c. name uses the placement nearest the transcript's 3' end. VCF-style (leftmost placement, unchanged base first): chr15-90749844-CTT-C. GRCh37 (hg19) VCF-style: chr15-91293074-CTT-C.
Other names: c.581_582del (LRG_20t1); c.581_582del, p.Phe193_Phe194insTer (NM_001287246.2, NM_001287247.2); c.-711_-710del (NM_001287248.2).
Identifiers: ClinVar variation 189032 (VCV000189032.20), dbSNP rs367543026, ClinGen allele CA274291.
Genomic context (GRCh38, chr15:90,749,844, plus strand): 5'-ACCCCAAAGTCACTTTGTAAGAGTAAGCACTGCTCAGAAATCAAAAAAGGGTAAGAGAAA[CTT>C]TTTTAAAGCACAGCTTTATACAACAAACACAGTAAAGACTGATTTGCCTCCACCCTCCTC-3'